The following is an entry in ClinVar:

ClinVar aggregate classification (germline): Uncertain significance. Review status: criteria provided, multiple submitters, no conflicts (2 of 4 stars). 3 submissions from 3 submitters: Uncertain significance (3). Last evaluated 2025-09-14.

Conditions:
Familial cancer of breast. Also called: BREAST CANCER, FAMILIAL; Hereditary breast cancer; hereditary breast carcinoma. Identifiers: Orphanet 227535, MedGen C0346153, MONDO:0016419, OMIM 114480. Disease mechanism: loss of function.
Hereditary cancer-predisposing syndrome. Also called: Hereditary Cancer Syndrome; Hereditary neoplastic syndrome; Neoplastic Syndromes, Hereditary; Tumor predisposition. Identifiers: Orphanet 140162, MedGen C0027672, MeSH D009386, MONDO:0015356.

Submissions (3):

Labcorp Genetics (formerly Invitae), Labcorp
Classification: Uncertain significance for Familial cancer of breast. Last evaluated: 2025-09-14. Review status: criteria provided, single submitter. Criteria: Invitae Variant Classification Sherloc (09022015). Collection method: clinical testing. Allele origin: germline.
Comment: This sequence change replaces threonine, which is neutral and polar, with asparagine, which is neutral and polar, at codon 1015 of the PALB2 protein (p.Thr1015Asn). This variant is not present in population databases (gnomAD no frequency). This variant has not been reported in the literature in individuals affected with PALB2-related conditions. ClinVar contains an entry for this variant (Variation ID: 1447999). Invitae Evidence Modeling of protein sequence and biophysical properties (such as structural, functional, and spatial information, amino acid conservation, physicochemical variation, residue mobility, and thermodynamic stability) indicates that this missense variant is expected to disrupt PALB2 protein function with a positive predictive value of 80%. In summary, the available evidence is currently insufficient to determine the role of this variant in disease. Therefore, it has been classified as a Variant of Uncertain Significance.

Ambry Genetics
Classification: Uncertain significance for Hereditary cancer-predisposing syndrome. Last evaluated: 2024-12-20. Review status: criteria provided, single submitter. Criteria: Ambry Variant Classification Scheme 2023. Collection method: clinical testing. Allele origin: germline.
Comment: The p.T1015N variant (also known as c.3044C>A), located in coding exon 10 of the PALB2 gene, results from a C to A substitution at nucleotide position 3044. The threonine at codon 1015 is replaced by asparagine, an amino acid with similar properties. This amino acid position is conserved. In addition, this alteration is predicted to be tolerated by in silico analysis. Based on the available evidence, the clinical significance of this variant remains unclear.

Women's Health and Genetics/Laboratory Corporation of America, LabCorp
Classification: Uncertain significance. Last evaluated: 2024-06-21. Review status: criteria provided, single submitter. Criteria: LabCorp Variant Classification Summary - May 2015. Collection method: clinical testing. Allele origin: germline.
Comment: Variant summary: PALB2 c.3044C>A (p.Thr1015Asn) results in a non-conservative amino acid change located in the Partner and localiser of BRCA2, WD40 domain (IPR031920) of the encoded protein sequence. Four of five in-silico tools predict a damaging effect of the variant on protein function. The variant was absent in 251446 control chromosomes. The available data on variant occurrences in the general population are insufficient to allow any conclusion about variant significance. To our knowledge, no occurrence of c.3044C>A in individuals affected with Hereditary Breast And Ovarian Cancer Syndrome and no experimental evidence demonstrating its impact on protein function have been reported. ClinVar contains an entry for this variant (Variation ID: 1447999). Based on the evidence outlined above, the variant was classified as uncertain significance.

NM_024675.4(PALB2):c.3044C>A (p.Thr1015Asn)

Gene: PALB2 (partner and localizer of BRCA2; minus strand). Cytogenetic location: 16p12.2.
Variant type: single nucleotide variant.
Coding change: c.3044C>A on transcript NM_024675.4 (MANE Select); coding-DNA position 3044, C replaced by A.
Protein change: p.Thr1015Asn; replaces threonine 1015 with asparagine.
Molecular consequence: missense variant.
Genome position (GRCh38, 1-based): chr16:23,621,431, G>T on the plus strand (C>A on the coding strand, the complement: PALB2 is on the minus strand). VCF-style: chr16-23621431-G-T. GRCh37 (hg19) VCF-style: chr16-23632752-G-T.
Other names: c.3044C>A (NM_024675.3); short protein forms T1015N.
Identifiers: ClinVar variation 1447999 (VCV001447999.9), dbSNP rs367840862, ClinGen allele CA395143041.